The following is an entry in ClinVar:

NM_005157.6(ABL1):c.1562C>G (p.Thr521Ser)

Gene: ABL1 (ABL proto-oncogene 1, non-receptor tyrosine kinase; plus strand). Cytogenetic location: 9q34.12.
Variant type: single nucleotide variant.
Coding change: c.1562C>G on transcript NM_005157.6 (MANE Select); coding-DNA position 1562, C replaced by G.
Protein change: p.Thr521Ser; replaces threonine 521 with serine.
Molecular consequence: missense variant.
Genome position (GRCh38, 1-based): chr9:130,880,548, C>G. VCF-style: chr9-130880548-C-G. GRCh37 (hg19) VCF-style: chr9-133755935-C-G.
Other names: c.1619C>G, p.Thr540Ser (NM_007313.3); short protein forms T521S, T540S.
Identifiers: ClinVar variation 1719704 (VCV001719704.5), dbSNP rs1831434159, ClinGen allele CA375251850.

ClinVar aggregate classification (germline): Uncertain significance (1 of 4 stars; one submission).

Submission:

Labcorp Genetics (formerly Invitae), Labcorp
Classification: Uncertain significance. Last evaluated: 2022-09-17. Review status: criteria provided, single submitter. Criteria: Invitae Variant Classification Sherloc (09022015). Collection method: clinical testing. Allele origin: germline.
Comment: In summary, the available evidence is currently insufficient to determine the role of this variant in disease. Therefore, it has been classified as a Variant of Uncertain Significance. Advanced modeling of protein sequence and biophysical properties (such as structural, functional, and spatial information, amino acid conservation, physicochemical variation, residue mobility, and thermodynamic stability) performed at Invitae indicates that this missense variant is not expected to disrupt ABL1 protein function. This variant has not been reported in the literature in individuals affected with ABL1-related conditions. This variant is not present in population databases (gnomAD no frequency). This sequence change replaces threonine, which is neutral and polar, with serine, which is neutral and polar, at codon 540 of the ABL1 protein (p.Thr540Ser).